The following is an entry in ClinVar:

NM_003998.4(NFKB1):c.1144G>A (p.Gly382Arg)

Gene: NFKB1 (nuclear factor kappa B subunit 1; plus strand). Cytogenetic location: 4q24.
Variant type: single nucleotide variant.
Coding change: c.1144G>A on transcript NM_003998.4 (MANE Select); coding-DNA position 1144, G replaced by A.
Protein change: p.Gly382Arg; replaces glycine 382 with arginine.
Molecular consequence: missense variant.
Genome position (GRCh38, 1-based): chr4:102,593,502, G>A. VCF-style: chr4-102593502-G-A. GRCh37 (hg19) VCF-style: chr4-103514659-G-A.
Other names: c.1141G>A, p.Gly381Arg (NM_001165412.2, NM_001319226.2, NM_001382627.1); c.1144G>A, p.Gly382Arg (NM_001382625.1, NM_001382626.1); c.1102G>A, p.Gly368Arg (NM_001382628.1); short protein forms G368R, G381R, G382R.
Identifiers: ClinVar variation 2631934 (VCV002631934.2), dbSNP rs753561118, ClinGen allele CA3026078.
Genomic context (GRCh38, chr4:102,593,502, plus strand): 5'-AGGAAACGTCAGAAGCTCATGCCCAATTTTTCGGATAGTTTCGGCGGTGGTAGTGGTGCT[G>A]GAGCTGGAGGCGGAGGCATGTTTGGTAGTGGCGGTGGAGGAGGGGGCACTGGAAGTACAG-3'
Protein context (NP_003989.2, residues 372-392): SDSFGGGSGA[Gly382Arg]AGGGGMFGSG

ClinVar aggregate classification (germline): Uncertain significance. Review status: criteria provided, multiple submitters, no conflicts (2 of 4 stars). 2 submissions from 2 submitters: Uncertain significance (2). Last evaluated 2025-06-21.

Conditions:
NFKB1-related disorder. Also called: NFKB1-related condition.

Allele frequency attached by ClinVar (database versions not stated): ExAC 0.00001; TOPMed 0.00001; gnomAD exomes 0.00002.
gnomAD v4.1: 23 of 1,613,464 alleles (0.0014%); highest among the groups gnomAD compares: Non-Finnish European, 0.0019%; no homozygotes.

Submissions (2):

GeneDx
Classification: Uncertain significance. Last evaluated: 2025-06-21. Review status: criteria provided, single submitter. Criteria: GeneDx Variant Classification Process June 2021. Collection method: clinical testing. Allele origin: germline. Affected: yes.
Comment: Observed in a patient with features suggestive of an inborn error of immunity in published literature (PMID: 35753512); Not observed at significant frequency in large population cohorts (gnomAD); In silico analysis supports that this missense variant has a deleterious effect on protein structure/function; This variant is associated with the following publications: (PMID: 31020811, 35753512)

PreventionGenetics, part of Exact Sciences
Classification: Uncertain significance for NFKB1-related condition. Last evaluated: 2022-09-28. Review status: criteria provided, single submitter. Criteria: ACMG Guidelines, 2015. Collection method: clinical testing. Allele origin: germline.
Comment: The NFKB1 c.1144G>A variant is predicted to result in the amino acid substitution p.Gly382Arg. To our knowledge, this variant has not been reported in the literature. This variant is reported in 0.0035% of alleles in individuals of European (Non-Finnish) descent in gnomAD. At this time, the clinical significance of this variant is uncertain due to the absence of conclusive functional and genetic evidence.